The following is an entry in ClinVar:

ClinVar aggregate classification (germline): Uncertain significance (1 of 4 stars; one submission).

gnomAD v4.1: 2 of 1,577,784 alleles (0.00013%); highest among the groups gnomAD compares: East Asian, 0.0047%; no homozygotes.

Submission:

Labcorp Genetics (formerly Invitae), Labcorp
Classification: Uncertain significance. Last evaluated: 2024-10-02. Review status: criteria provided, single submitter. Criteria: Invitae Variant Classification Sherloc (09022015). Collection method: clinical testing. Allele origin: germline.
Comment: This sequence change replaces alanine, which is neutral and non-polar, with proline, which is neutral and non-polar, at codon 293 of the KCNK4 protein (p.Ala293Pro). The frequency data for this variant in the population databases is considered unreliable, as metrics indicate poor data quality at this position in the gnomAD database. This variant has not been reported in the literature in individuals affected with KCNK4-related conditions. An algorithm developed to predict the effect of missense changes on protein structure and function (PolyPhen-2) suggests that this variant is likely to be tolerated. In summary, the available evidence is currently insufficient to determine the role of this variant in disease. Therefore, it has been classified as a Variant of Uncertain Significance.

NM_033310.3(KCNK4):c.877G>C (p.Ala293Pro)

Genes: KCNK4 (potassium two pore domain channel subfamily K member 4; plus strand), KCNK4-CATSPERZ (KCNK4-CATSPERZ readthrough (NMD candidate); plus strand). Cytogenetic location: 11q13.1.
Variant type: single nucleotide variant.
Coding change: c.877G>C on transcript NM_033310.3 (MANE Select); coding-DNA position 877, G replaced by C.
Protein change: p.Ala293Pro; replaces alanine 293 with proline.
Molecular consequence: missense variant. On other transcripts: non-coding transcript variant (3).
Genome position (GRCh38, 1-based): chr11:64,299,421, G>C. VCF-style: chr11-64299421-G-C. GRCh37 (hg19) VCF-style: chr11-64066893-G-C.
Other names: c.877G>C, p.Ala293Pro (NM_001317090.2); short protein forms A293P.
Identifiers: ClinVar variation 3618253 (VCV003618253.2).
Genomic context (GRCh38, chr11:64,299,421, plus strand): 5'-GCTCAGGCTGCCAGCTGGACTGGCACGGTGACAGCGCGCGTGACCCAGCGAGCCGGGCCC[G>C]CCGCCCCGCCGCCGGAGAAGGAGCAGCCACTGCTGCCTCCACCGCCCTGTCCAGCGCAGC-3'
Protein context (NP_201567.1, residues 283-303): TARVTQRAGP[Ala293Pro]APPPEKEQPL